The following is an entry in ClinVar:

NM_001099274.3(TINF2):c.28G>T (p.Ala10Ser)

Gene: TINF2 (TERF1 interacting nuclear factor 2; minus strand). Cytogenetic location: 14q12.
Variant type: single nucleotide variant.
Coding change: c.28G>T on transcript NM_001099274.3 (MANE Select); coding-DNA position 28, G replaced by T.
Protein change: p.Ala10Ser; replaces alanine 10 with serine.
Molecular consequence: missense variant.
Genome position (GRCh38, 1-based): chr14:24,242,305, C>A on the plus strand (G>T on the coding strand, the complement: TINF2 is on the minus strand). VCF-style: chr14-24242305-C-A. GRCh37 (hg19) VCF-style: chr14-24711511-C-A.
Other names: c.28G>T, p.Ala10Ser (NM_001363668.2, NM_012461.3); short protein forms A10S.
Identifiers: ClinVar variation 641940 (VCV000641940.12), dbSNP rs746625511, ClinGen allele CA7130771.

ClinVar aggregate classification (germline): Uncertain significance. Review status: criteria provided, multiple submitters, no conflicts (2 of 4 stars). 3 submissions from 3 submitters: Uncertain significance (2). 1 of the submissions does not count toward it. Last evaluated 2026-03-09.

Conditions:
TINF2-related disorder. Also called: TINF2-related condition.
Dyskeratosis congenita. Identifiers: Orphanet 1775, MedGen C0265965, MONDO:0015780.

Allele frequency attached by ClinVar (database versions not stated): gnomAD 0.00003; gnomAD exomes 0.00006; ExAC 0.00007; TOPMed 0.00001.

Submissions (3):

Dasa
Classification: Uncertain significance. Last evaluated: 2026-03-09. Review status: criteria provided, single submitter. Criteria: DASA Assertion Criteria. Collection method: clinical testing. Allele origin: germline.
Comment: NM_001099274.3(TINF2):c.28G>T (p.Ala10Ser) is a missense variant that results in the substitution of alanine with serine. This variant is rare in population databases. The currently available literature and clinical evidence are not sufficient to establish a definitive association between this variant and the reported condition. Therefore, this variant is classified as a variant of uncertain significance.

Labcorp Genetics (formerly Invitae), Labcorp
Classification: Uncertain significance for Dyskeratosis congenita. Last evaluated: 2025-10-25. Review status: criteria provided, single submitter. Criteria: Invitae Variant Classification Sherloc (09022015). Collection method: clinical testing. Allele origin: germline.
Comment: This sequence change replaces alanine, which is neutral and non-polar, with serine, which is neutral and polar, at codon 10 of the TINF2 protein (p.Ala10Ser). This variant is present in population databases (rs746625511, gnomAD 0.07%), and has an allele count higher than expected for a pathogenic variant. This variant has not been reported in the literature in individuals affected with TINF2-related conditions. ClinVar contains an entry for this variant (Variation ID: 641940). An algorithm developed to predict the effect of missense changes on protein structure and function (PolyPhen-2) suggests that this variant is likely to be disruptive. In summary, the available evidence is currently insufficient to determine the role of this variant in disease. Therefore, it has been classified as a Variant of Uncertain Significance.

PreventionGenetics, part of Exact Sciences
Classification: Likely benign for TINF2-related condition. Last evaluated: 2023-06-08. Review status: no assertion criteria provided. Collection method: clinical testing. Allele origin: germline. Not counted in ClinVar's aggregate classification.
Comment: This variant is classified as likely benign based on ACMG/AMP sequence variant interpretation guidelines (Richards et al. 2015 PMID: 25741868, with internal and published modifications).